The following is an entry in ClinVar:

NM_001029858.4(SLC35F1):c.676G>A (p.Gly226Arg)

Gene: SLC35F1 (solute carrier family 35 member F1; plus strand). Cytogenetic location: 6q22.31.
Variant type: single nucleotide variant.
Coding change: c.676G>A on transcript NM_001029858.4 (MANE Select); coding-DNA position 676, G replaced by A.
Protein change: p.Gly226Arg; replaces glycine 226 with arginine.
Molecular consequence: missense variant.
Genome position (GRCh38, 1-based): chr6:118,275,497, G>A. VCF-style: chr6-118275497-G-A. GRCh37 (hg19) VCF-style: chr6-118596660-G-A.
Other names: c.676G>A, p.Gly226Arg (NM_001415931.1); short protein forms G226R.
Identifiers: ClinVar variation 4532014 (VCV004532014.1).

ClinVar aggregate classification (germline): Uncertain significance (1 of 4 stars; one submission).

Conditions:
Neurodevelopmental disorder. Identifiers: MedGen C1535926, MeSH D065886, MONDO:0700092.

Submission:

Victorian Clinical Genetics Services, Murdoch Childrens Research Institute
Classification: Uncertain significance for Neurodevelopmental disorder. Last evaluated: 2024-11-25. Review status: criteria provided, single submitter. Criteria: ACMG Guidelines, 2015. Collection method: clinical testing. Allele origin: germline. Affected: yes.
Comment: This variant is classified as VUS-3A. Evidence in support of pathogenic classification: Variant is absent from gnomAD (v2, v3 and v4); Missense variant consistently predicted to be damaging by an in silico tool or highly conserved with a major amino acid change; Additional information: Variant is predicted to result in a missense amino acid change from glycine to arginine; This variant is heterozygous; This gene is associated with autosomal dominant disease. There is currently limited evidence for this gene-disease association. One individual with a de novo missense variant has been reported in the literature with a neurodevelopmental disorder (PMID: 33821533); This variant has no previous evidence of pathogenicity; No published segregation evidence has been identified for this variant; No published functional evidence has been identified for this variant; No comparable missense variants have previous evidence for pathogenicity; Variant is located in the annotated solute carrier family 35 domain (DECIPHER); The mechanism of disease for this gene is not clearly established.

Literature cited by the submitters: PubMed 33821533.